The following is an entry in ClinVar:

ClinVar aggregate classification (germline): Likely pathogenic (1 of 4 stars; one submission).

Conditions:
Fanconi anemia complementation group D2. Also called: FANCD2-Related Fanconi Anemia; FANCONI PANCYTOPENIA, TYPE 4; FANCONI ANEMIA, COMPLEMENTATION GROUP D. Identifiers: Orphanet 84, MedGen C3160738, MONDO:0009214, OMIM 227646.

Submission:

Juno Genomics, Hangzhou Juno Genomics, Inc
Classification: Likely pathogenic for Fanconi anemia complementation group D2. Review status: criteria provided, single submitter. Criteria: ACMG Guidelines, 2015. Collection method: clinical testing. Allele origin: germline.
Comment: Null variant in a gene where loss of function (LOF) is a known mechanism of disease.;Absent from controls (or at extremely low frequency if recessive) in Genome Aggregation Database.

NM_001018115.3(FANCD2):c.2927_2954del (p.Leu976fs)

Genes: FANCD2 (FA complementation group D2; plus strand), LOC107303338 (3p25 FANCD2 Alu-mediated recombination region; plus strand). Cytogenetic location: 3p25.3.
Variant type: Deletion.
Coding change: c.2927_2954del on transcript NM_001018115.3 (MANE Select); coding-DNA positions 2927 to 2954, 28 bases deleted (TGGAGAGTATGCTGACACCTCCTATTGC).
Protein change: p.Leu976fs; shifts the reading frame from leucine 976.
Molecular consequence: frameshift variant.
Genome position (GRCh38, 1-based): chr3:10,078,148-10,078,175, TGGAGAGTATGCTGACACCTCCTATTGC deleted; deleting any 28 consecutive bases within chr3:10,078,146-10,078,175 gives the same sequence; the c. name uses the placement nearest the transcript's 3' end. VCF-style (leftmost placement, unchanged base first): chr3-10078145-AGCTGGAGAGTATGCTGACACCTCCTATT-A. GRCh37 (hg19) VCF-style: chr3-10119829-AGCTGGAGAGTATGCTGACACCTCCTATT-A.
Other names: c.2927_2954del, p.Leu976fs (NM_001319984.2, NM_001374254.1, NM_033084.6); c.2816_2843del, p.Leu939fs (NM_001374253.1); short protein forms L939fs, L976fs.
Identifiers: ClinVar variation 5006515 (VCV005006515.2).